The following is an entry in ClinVar:

NM_030962.4(SBF2):c.4932+65C>T

Genes: SBF2 (SET binding factor 2; minus strand), SBF2-AS1 (SBF2 antisense RNA 1; plus strand), LOC105369149 (uncharacterized LOC105369149; plus strand). Cytogenetic location: 11p15.4.
Variant type: single nucleotide variant.
Coding change: c.4932+65C>T on transcript NM_030962.4 (MANE Select); 65 bases into the intron after coding-DNA position 4932, C replaced by T.
Molecular consequence: intron variant.
Genome position (GRCh38, 1-based): chr11:9,789,044, G>A on the plus strand (C>T on the coding strand, the complement: SBF2 is on the minus strand). VCF-style: chr11-9789044-G-A. GRCh37 (hg19) VCF-style: chr11-9810591-G-A.
Other names: c.4803+65C>T (NM_001386342.1); c.5028+65C>T (NM_001386339.1).
Identifiers: ClinVar variation 677063 (VCV000677063.2), dbSNP rs360133, ClinGen allele CA217608393.

ClinVar aggregate classification (germline): Benign. Review status: criteria provided, multiple submitters, no conflicts (2 of 4 stars). 2 submissions from 2 submitters: Benign (2). Last evaluated 2018-06-14.

Allele frequency attached by ClinVar (database versions not stated): gnomAD exomes 0.01520; gnomAD 0.05798 and 0.06085; TOPMed 0.06406; 1000 Genomes Project 0.06510; 1000 Genomes Project 30x 0.06886.
gnomAD v4.1: 27,655 of 1,368,046 alleles (2%); highest among the groups gnomAD compares: African/African-American, 18%; 1,353 homozygotes.

Submissions (2):

GeneDx
Classification: Benign. Last evaluated: 2018-06-14. Review status: criteria provided, single submitter. Criteria: GeneDx Variant Classification (06012015). Collection method: clinical testing. Allele origin: germline. Affected: yes.
Comment: This variant is considered likely benign or benign based on one or more of the following criteria: it is a conservative change, it occurs at a poorly conserved position in the protein, it is predicted to be benign by multiple in silico algorithms, and/or has population frequency not consistent with disease.

Breakthrough Genomics
Classification: Benign. Review status: criteria provided, single submitter. Criteria: ACMG Guidelines, 2015. Collection method: not provided. Allele origin: germline. Inheritance: Autosomal recessive inheritance. Affected: yes.